The following is an entry in ClinVar:

ClinVar aggregate classification (germline): Uncertain significance. Review status: criteria provided, multiple submitters, no conflicts (2 of 4 stars). 3 submissions from 3 submitters: Uncertain significance (3). Last evaluated 2026-01-25.

Conditions:
Hereditary cancer-predisposing syndrome. Also called: Tumor predisposition; Neoplastic Syndromes, Hereditary; Hereditary Cancer Syndrome; Hereditary neoplastic syndrome. Identifiers: Orphanet 140162, MedGen C0027672, MeSH D009386, MONDO:0015356.
Familial cancer of breast. Also called: BREAST CANCER, FAMILIAL; Hereditary breast cancer; hereditary breast carcinoma. Identifiers: Orphanet 227535, MedGen C0346153, MONDO:0016419, OMIM 114480. Disease mechanism: loss of function.
Fanconi anemia complementation group J. Also called: BRIP1-Related Fanconi Anemia. Identifiers: Orphanet 84, MedGen C1836860, MONDO:0012187, OMIM 609054.

Allele frequency attached by ClinVar (database versions not stated): TOPMed below 0.00001; gnomAD exomes 0.00001.
gnomAD v4.1: 7 of 1,612,902 alleles (0.00043%); highest among the groups gnomAD compares: Non-Finnish European, 0.00059%; no homozygotes.

Submissions (3):

Labcorp Genetics (formerly Invitae), Labcorp
Classification: Uncertain significance for Familial cancer of breast; Fanconi anemia complementation group J. Last evaluated: 2026-01-25. Review status: criteria provided, single submitter. Criteria: Invitae Variant Classification Sherloc (09022015). Collection method: clinical testing. Allele origin: germline.
Comment: This sequence change replaces alanine, which is neutral and non-polar, with threonine, which is neutral and polar, at codon 521 of the BRIP1 protein (p.Ala521Thr). This variant is not present in population databases (gnomAD no frequency). This variant has not been reported in the literature in individuals affected with BRIP1-related conditions. ClinVar contains an entry for this variant (Variation ID: 630095). Invitae Evidence Modeling of protein sequence and biophysical properties (such as structural, functional, and spatial information, amino acid conservation, physicochemical variation, residue mobility, and thermodynamic stability) indicates that this missense variant is not expected to disrupt BRIP1 protein function with a negative predictive value of 95%. In summary, the available evidence is currently insufficient to determine the role of this variant in disease. Therefore, it has been classified as a Variant of Uncertain Significance.

Ambry Genetics
Classification: Uncertain significance for Hereditary cancer-predisposing syndrome. Last evaluated: 2024-10-11. Review status: criteria provided, single submitter. Criteria: Ambry Variant Classification Scheme 2023. Collection method: clinical testing. Allele origin: germline.
Comment: The p.A521T variant (also known as c.1561G>A), located in coding exon 10 of the BRIP1 gene, results from a G to A substitution at nucleotide position 1561. The alanine at codon 521 is replaced by threonine, an amino acid with similar properties. This amino acid position is not well conserved in available vertebrate species. In addition, this alteration is predicted to be tolerated by in silico analysis. Since supporting evidence is limited at this time, the clinical significance of this alteration remains unclear.

Color Diagnostics, LLC DBA Color Health
Classification: Uncertain significance for Hereditary cancer-predisposing syndrome. Last evaluated: 2023-12-05. Review status: criteria provided, single submitter. Criteria: ACMG Guidelines, 2015. Collection method: clinical testing. Allele origin: germline.
Comment: This missense variant replaces alanine with threonine at codon 521 of the BRIP1 protein. Computational prediction suggests that this variant may not impact protein structure and function (internally defined REVEL score threshold <= 0.5, PMID: 27666373). To our knowledge, functional studies have not been reported for this variant. This variant has not been reported in individuals affected with BRIP1-related disorders in the literature. This variant has not been identified in the general population by the Genome Aggregation Database (gnomAD). The available evidence is insufficient to determine the role of this variant in disease conclusively. Therefore, this variant is classified as a Variant of Uncertain Significance.

NM_032043.3(BRIP1):c.1561G>A (p.Ala521Thr)

Gene: BRIP1 (BRCA1 interacting DNA helicase 1; minus strand). Cytogenetic location: 17q23.2.
Variant type: single nucleotide variant.
Coding change: c.1561G>A on transcript NM_032043.3 (MANE Select); coding-DNA position 1561, G replaced by A.
Protein change: p.Ala521Thr; replaces alanine 521 with threonine.
Molecular consequence: missense variant.
Genome position (GRCh38, 1-based): chr17:61,784,337, C>T on the plus strand (G>A on the coding strand, the complement: BRIP1 is on the minus strand). VCF-style: chr17-61784337-C-T. GRCh37 (hg19) VCF-style: chr17-59861698-C-T.
Other names: short protein forms A521T.
Identifiers: ClinVar variation 630095 (VCV000630095.17), dbSNP rs913184257, ClinGen allele CA292283062.
Genomic context (GRCh38, chr17:61,784,337, plus strand): 5'-TTTGCCTAAAAAGATAGTCAAGTACCATAAAAAGTCCTTTAAGCATTATTTGAGTTGATG[C>T]ACTAATAACAGGTACTTCTCTTGCCTCCTCTTTACCATAAATTGGTGAGATTTTTTCCTC-3'
Protein context (NP_114432.2, residues 511-531): EEAREVPVIS[Ala521Thr]STQIMLKGLF